The following is an entry in ClinVar:

ClinVar aggregate classification (germline): Uncertain significance (1 of 4 stars; one submission).

Conditions:
Fabry disease. Also called: Fabry's disease; ALPHA-GALACTOSIDASE A DEFICIENCY; ANDERSON-FABRY DISEASE; CERAMIDE TRIHEXOSIDASE DEFICIENCY; GLA DEFICIENCY; HEREDITARY DYSTOPIC LIPIDOSIS. Identifiers: Orphanet 324, MedGen C0002986, MONDO:0010526, OMIM 301500, HP:0001071. Disease mechanism: Fabry disease is due to inactivating mutations in the X-linked GLA gene resulting in deficiency of the enzyme Alpha Galactosidase-A., loss of function.

gnomAD v4.1: 2 of 1,211,687 alleles (0.00017%); highest among the groups gnomAD compares: South Asian, 0.0018%; no homozygotes.

Submission:

Genomenon, Inc
Classification: Uncertain significance for Fabry disease. Last evaluated: 2026-09-08. Review status: criteria provided, single submitter. Criteria: Genomenon Sequence Variant Interpretation Standards - Updated. Collection method: curation. Allele origin: germline. Affected: no.
Comment: GLA p.Pro343Ser (c.1027C>T) is a missense variant that changes the amino acid at codon 343 from Proline to Serine. This variant has been reported in the published literature (PMID:37441486). It is absent or not present at a significant frequency in gnomAD. In silico models predict that this variant is possibly or probably damaging. In conclusion, we classify GLA p.Pro343Ser (c.1027C>T) as a variant of uncertain significance.

Literature cited by the submitters: PubMed 37441486.

NM_000169.3(GLA):c.1027C>T (p.Pro343Ser)

Genes: GLA (galactosidase alpha; minus strand), RPL36A-HNRNPH2 (RPL36A-HNRNPH2 readthrough; plus strand). Cytogenetic location: Xq22.1.
Variant type: single nucleotide variant.
Coding change: c.1027C>T on transcript NM_000169.3 (MANE Select); coding-DNA position 1027, C replaced by T.
Protein change: p.Pro343Ser; replaces proline 343 with serine.
Molecular consequence: missense variant. On other transcripts: non-coding transcript variant (3), intron variant (2).
Genome position (GRCh38, 1-based): chrX:101,398,072, G>A on the plus strand (C>T on the coding strand, the complement: GLA is on the minus strand). VCF-style: chrX-101398072-G-A. GRCh37 (hg19) VCF-style: chrX-100653060-G-A.
Other names: c.1150C>T, p.Pro384Ser (NM_001406747.1); c.300+2615G>A (NM_001199973.2); c.177+6250G>A (NM_001199974.2); short protein forms P343S, P384S.
Identifiers: ClinVar variation 4974854 (VCV004974854.1).